The following is an entry in ClinVar:

NM_005257.6(GATA6):c.534_548del (p.Ala179_Ala183del)

Gene: GATA6 (GATA binding protein 6; plus strand). Cytogenetic location: 18q11.2.
Variant type: Deletion.
Coding change: c.534_548del on transcript NM_005257.6 (MANE Select); coding-DNA positions 534 to 548, 15 bases deleted (AGCCGCGGCGGCGGC).
Protein change: p.Ala179_Ala183del.
Genome position (GRCh38, 1-based): chr18:22,171,678-22,171,692, AGCCGCGGCGGCGGC deleted; deleting any 15 consecutive bases within chr18:22,171,676-22,171,692 gives the same sequence; the c. name uses the placement nearest the transcript's 3' end. VCF-style (leftmost placement, unchanged base first): chr18-22171675-AGCAGCCGCGGCGGCG-A. GRCh37 (hg19) VCF-style: chr18-19751636-AGCAGCCGCGGCGGCG-A.
Identifiers: ClinVar variation 4763993 (VCV004763993.1).

ClinVar aggregate classification (germline): Uncertain significance (1 of 4 stars; one submission).

Conditions:
Atrioventricular septal defect 5 (AVSD5). Identifiers: MedGen C3280939, MONDO:0013769, OMIM 614474.

Submission:

Labcorp Genetics (formerly Invitae), Labcorp
Classification: Uncertain significance for Atrioventricular septal defect 5. Last evaluated: 2025-12-22. Review status: criteria provided, single submitter. Criteria: Invitae Variant Classification Sherloc (09022015). Collection method: clinical testing. Allele origin: germline.
Comment: This variant, c.534_548del, results in the deletion of 5 amino acid(s) of the GATA6 protein (p.Ala179_Ala183del), but otherwise preserves the integrity of the reading frame. This variant is not present in population databases (gnomAD no frequency). This variant has not been reported in the literature in individuals affected with GATA6-related conditions. Experimental studies and prediction algorithms are not available or were not evaluated, and the functional significance of this variant is currently unknown. In summary, the available evidence is currently insufficient to determine the role of this variant in disease. Therefore, it has been classified as a Variant of Uncertain Significance.